The following is an entry in ClinVar:

ClinVar aggregate classification (germline): Likely benign (1 of 4 stars; one submission).

Allele frequency attached by ClinVar (database versions not stated): 1000 Genomes Project 30x 0.00344; 1000 Genomes Project 0.00379; gnomAD exomes 0.00019; ExAC 0.00183; gnomAD 0.00285; TOPMed 0.00309.

Submission:

GeneDx
Classification: Likely benign. Last evaluated: 2022-02-21. Review status: criteria provided, single submitter. Criteria: GeneDx Variant Classification Process June 2021. Collection method: clinical testing. Allele origin: germline. Affected: yes.
Comment: See Variant Classification Assertion Criteria.

NC_000001.11:g.209938201C>T

Gene: SYT14 (synaptotagmin 14; plus strand). Cytogenetic location: 1q32.2.
Variant type: single nucleotide variant.
Genome position: GRCh38 VCF-style: chr1-209938201-C-T. GRCh37 (hg19) VCF-style: chr1-210111546-C-T.
Identifiers: ClinVar variation 1804620 (VCV001804620.1), dbSNP rs542912482, ClinGen allele CA1378088.